The following is an entry in ClinVar:

NM_005228.5(EGFR):c.1629G>T (p.Glu543Asp)

Gene: EGFR (epidermal growth factor receptor; plus strand). Cytogenetic location: 7p11.2.
Variant type: single nucleotide variant.
Coding change: c.1629G>T on transcript NM_005228.5 (MANE Select); coding-DNA position 1629, G replaced by T.
Protein change: p.Glu543Asp; replaces glutamic acid 543 with aspartic acid.
Molecular consequence: missense variant.
Genome position (GRCh38, 1-based): chr7:55,161,629, G>T. VCF-style: chr7-55161629-G-T. GRCh37 (hg19) VCF-style: chr7-55229322-G-T.
Other names: c.1494G>T, p.Glu498Asp (NM_001346897.2, NM_001346899.2); c.1629G>T, p.Glu543Asp (NM_001346898.2, NM_201282.2, NM_201284.2); c.1470G>T, p.Glu490Asp (NM_001346900.2); c.828G>T, p.Glu276Asp (NM_001346941.2); short protein forms E276D, E498D, E543D, E490D.
Identifiers: ClinVar variation 954364 (VCV000954364.9), dbSNP rs1785709734, ClinGen allele CA367580043.

ClinVar aggregate classification (germline): Uncertain significance (1 of 4 stars; one submission).

Conditions:
EGFR-related lung cancer (EGFR). Identifiers: MedGen CN130014.

Allele frequency attached by ClinVar (database versions not stated): gnomAD exomes below 0.00001.
gnomAD v4.1: 4 of 1,614,272 alleles (0.00025%); highest among the groups gnomAD compares: Non-Finnish European, 0.00034%; no homozygotes.

Submission:

Labcorp Genetics (formerly Invitae), Labcorp
Classification: Uncertain significance for EGFR-related lung cancer. Last evaluated: 2025-01-01. Review status: criteria provided, single submitter. Criteria: Invitae Variant Classification Sherloc (09022015). Collection method: clinical testing. Allele origin: germline.
Comment: This sequence change replaces glutamic acid, which is acidic and polar, with aspartic acid, which is acidic and polar, at codon 543 of the EGFR protein (p.Glu543Asp). This variant is not present in population databases (gnomAD no frequency). This variant has not been reported in the literature in individuals affected with EGFR-related conditions. ClinVar contains an entry for this variant (Variation ID: 954364). An algorithm developed to predict the effect of missense changes on protein structure and function (PolyPhen-2) suggests that this variant is likely to be tolerated. In summary, the available evidence is currently insufficient to determine the role of this variant in disease. Therefore, it has been classified as a Variant of Uncertain Significance.